The following is an entry in ClinVar:

ClinVar aggregate classification (germline): Uncertain significance. Review status: criteria provided, multiple submitters, no conflicts (2 of 4 stars). 3 submissions from 3 submitters: Uncertain significance (3). Last evaluated 2025-08-09.

Conditions:
Hereditary cancer-predisposing syndrome. Also called: Hereditary Cancer Syndrome; Tumor predisposition; Hereditary neoplastic syndrome; Neoplastic Syndromes, Hereditary. Identifiers: Orphanet 140162, MedGen C0027672, MeSH D009386, MONDO:0015356.

Allele frequency attached by ClinVar (database versions not stated): gnomAD exomes below 0.00001.
gnomAD v4.1: 5 of 1,613,910 alleles (0.00031%); highest among the groups gnomAD compares: Non-Finnish European, 0.00042%; no homozygotes.

Submissions (3):

Labcorp Genetics (formerly Invitae), Labcorp
Classification: Uncertain significance. Last evaluated: 2025-08-09. Review status: criteria provided, single submitter. Criteria: Invitae Variant Classification Sherloc (09022015). Collection method: clinical testing. Allele origin: germline.
Comment: This sequence change replaces proline, which is neutral and non-polar, with leucine, which is neutral and non-polar, at codon 1164 of the POLE protein (p.Pro1164Leu). This variant is not present in population databases (gnomAD no frequency). This variant has not been reported in the literature in individuals affected with POLE-related conditions. ClinVar contains an entry for this variant (Variation ID: 1042312). Invitae Evidence Modeling of protein sequence and biophysical properties (such as structural, functional, and spatial information, amino acid conservation, physicochemical variation, residue mobility, and thermodynamic stability) indicates that this missense variant is expected to disrupt POLE protein function with a positive predictive value of 80%. In summary, the available evidence is currently insufficient to determine the role of this variant in disease. Therefore, it has been classified as a Variant of Uncertain Significance.

Ambry Genetics
Classification: Uncertain significance for Hereditary cancer-predisposing syndrome. Last evaluated: 2024-12-23. Review status: criteria provided, single submitter. Criteria: Ambry Variant Classification Scheme 2023. Collection method: clinical testing. Allele origin: germline.
Comment: The p.P1164L variant (also known as c.3491C>T), located in coding exon 29 of the POLE gene, results from a C to T substitution at nucleotide position 3491. The proline at codon 1164 is replaced by leucine, an amino acid with similar properties. This amino acid position is highly conserved in available vertebrate species. In addition, the in silico prediction for this alteration is inconclusive. Based on the available evidence, the clinical significance of this variant remains unclear.

GeneDx
Classification: Uncertain significance. Last evaluated: 2023-01-25. Review status: criteria provided, single submitter. Criteria: GeneDx Variant Classification Process June 2021. Collection method: clinical testing. Allele origin: germline. Affected: yes.
Comment: Not observed at significant frequency in large population cohorts (gnomAD); In silico analysis supports that this missense variant has a deleterious effect on protein structure/function; Has not been previously published as pathogenic or benign to our knowledge; This variant is associated with the following publications: (PMID: 29056344)

NM_006231.4(POLE):c.3491C>T (p.Pro1164Leu)

Gene: POLE (DNA polymerase epsilon, catalytic subunit; minus strand). Cytogenetic location: 12q24.33.
Variant type: single nucleotide variant.
Coding change: c.3491C>T on transcript NM_006231.4 (MANE Select); coding-DNA position 3491, C replaced by T.
Protein change: p.Pro1164Leu; replaces proline 1164 with leucine.
Molecular consequence: missense variant.
Genome position (GRCh38, 1-based): chr12:132,657,227, G>A on the plus strand (C>T on the coding strand, the complement: POLE is on the minus strand). VCF-style: chr12-132657227-G-A. GRCh37 (hg19) VCF-style: chr12-133233813-G-A.
Other names: c.3491C>T (NM_006231.2); short protein forms P1164L.
Identifiers: ClinVar variation 1042312 (VCV001042312.10), dbSNP rs2042563717, ClinGen allele CA387388674.